The following is an entry in ClinVar:

NM_005159.5(ACTC1):c.959C>T (p.Thr320Ile)

Genes: GJD2-DT (GJD2 divergent transcript; plus strand), ACTC1 (actin alpha cardiac muscle 1; minus strand). Cytogenetic location: 15q14.
Variant type: single nucleotide variant.
Coding change: c.959C>T on transcript NM_005159.5 (MANE Select); coding-DNA position 959, C replaced by T.
Protein change: p.Thr320Ile; replaces threonine 320 with isoleucine.
Molecular consequence: missense variant.
Genome position (GRCh38, 1-based): chr15:34,791,145, G>A on the plus strand (C>T on the coding strand, the complement: ACTC1 is on the minus strand). VCF-style: chr15-34791145-G-A. GRCh37 (hg19) VCF-style: chr15-35083346-G-A.
Other names: short protein forms T320I.
Identifiers: ClinVar variation 1001284 (VCV001001284.8), dbSNP rs1891695680, ClinGen allele CA391629334.

ClinVar aggregate classification (germline): Uncertain significance (1 of 4 stars; one submission).

Conditions:
Atrial septal defect 5 (ASD5). Identifiers: Orphanet 1478, MedGen C2748552, MONDO:0013011, OMIM 612794.
Hypertrophic cardiomyopathy 11. Also called: ACTC1-Related Familial Hypertrophic Cardiomyopathy. Identifiers: MedGen C2677506, MONDO:0012799, OMIM 612098.
Dilated cardiomyopathy 1R (CMD1R). Identifiers: Orphanet 154, Orphanet 54260, MedGen C3150681, MONDO:0013261, OMIM 613424.

Submission:

Labcorp Genetics (formerly Invitae), Labcorp
Classification: Uncertain significance for Dilated cardiomyopathy 1R; Hypertrophic cardiomyopathy 11; Atrial septal defect 5. Last evaluated: 2024-01-29. Review status: criteria provided, single submitter. Criteria: Invitae Variant Classification Sherloc (09022015). Collection method: clinical testing. Allele origin: germline.
Comment: This sequence change replaces threonine, which is neutral and polar, with isoleucine, which is neutral and non-polar, at codon 320 of the ACTC1 protein (p.Thr320Ile). This variant is not present in population databases (gnomAD no frequency). This variant has not been reported in the literature in individuals affected with ACTC1-related conditions. ClinVar contains an entry for this variant (Variation ID: 1001284). Advanced modeling of protein sequence and biophysical properties (such as structural, functional, and spatial information, amino acid conservation, physicochemical variation, residue mobility, and thermodynamic stability) performed at Invitae indicates that this missense variant is not expected to disrupt ACTC1 protein function with a negative predictive value of 80%. In summary, the available evidence is currently insufficient to determine the role of this variant in disease. Therefore, it has been classified as a Variant of Uncertain Significance.